The following is an entry in ClinVar:

ClinVar aggregate classification (germline): Benign/Likely benign. Review status: criteria provided, multiple submitters, no conflicts (2 of 4 stars). 4 submissions from 4 submitters: Benign (2); Likely benign (2). Last evaluated 2026-07-01.

Allele frequency attached by ClinVar (database versions not stated): gnomAD 0.00136 and 0.00141; TOPMed 0.00139; gnomAD exomes 0.00146 and 0.00183; ExAC 0.00150; ESP Exome Variant Server 0.00092.
gnomAD v4.1: 2,433 of 1,614,104 alleles (0.15%); highest among the groups gnomAD compares: Middle Eastern, 0.16%; 13 homozygotes.

Submissions (4):

CeGaT Center for Human Genetics Tuebingen
Classification: Likely benign. Last evaluated: 2026-07-01. Review status: criteria provided, single submitter. Criteria: CeGaT Center For Human Genetics Tuebingen Variant Classification Criteria Version 2. Collection method: clinical testing. Allele origin: germline. Affected: yes. Observed: 6 variant alleles.
Comment: ATP2B2: BP4, BP7

Labcorp Genetics (formerly Invitae), Labcorp
Classification: Benign. Last evaluated: 2025-12-30. Review status: criteria provided, single submitter. Criteria: Invitae Variant Classification Sherloc (09022015). Collection method: clinical testing. Allele origin: germline.

Blueprint Genetics
Classification: Likely benign. Last evaluated: 2024-11-11. Review status: criteria provided, single submitter. Criteria: ACMG Guidelines, 2015. Collection method: clinical testing. Allele origin: germline.

Breakthrough Genomics
Classification: Benign. Review status: criteria provided, single submitter. Criteria: ACMG Guidelines, 2015. Collection method: not provided. Allele origin: germline. Inheritance: Autosomal recessive inheritance. Affected: yes.

NM_001001331.4(ATP2B2):c.3336C>T (p.Asp1112=)

Gene: ATP2B2 (ATPase plasma membrane Ca2+ transporting 2; minus strand). Cytogenetic location: 3p25.3.
Variant type: single nucleotide variant.
Coding change: c.3336C>T on transcript NM_001001331.4 (MANE Select); coding-DNA position 3336, C replaced by T.
Protein change: p.Asp1112=; no amino-acid change (aspartic acid 1112 retained).
Molecular consequence: synonymous variant.
Genome position (GRCh38, 1-based): chr3:10,338,260, G>A on the plus strand (C>T on the coding strand, the complement: ATP2B2 is on the minus strand). VCF-style: chr3-10338260-G-A. GRCh37 (hg19) VCF-style: chr3-10379944-G-A.
Other names: c.3201C>T, p.Asp1067= (NM_001330611.3, NM_001353564.1, NM_001363862.1 and 1 more transcripts).
Identifiers: ClinVar variation 1557079 (VCV001557079.37), dbSNP rs56272522, ClinGen allele CA2253128.